The following is an entry in ClinVar:

NM_006005.3(WFS1):c.110G>C (p.Arg37Thr)

Gene: WFS1 (wolframin ER transmembrane glycoprotein; plus strand). Cytogenetic location: 4p16.1.
Variant type: single nucleotide variant.
Coding change: c.110G>C on transcript NM_006005.3 (MANE Select); coding-DNA position 110, G replaced by C.
Protein change: p.Arg37Thr; replaces arginine 37 with threonine.
Molecular consequence: missense variant.
Genome position (GRCh38, 1-based): chr4:6,277,565, G>C. VCF-style: chr4-6277565-G-C. GRCh37 (hg19) VCF-style: chr4-6279292-G-C.
Other names: c.110G>C, p.Arg37Thr (NM_001145853.1); short protein forms R37T.
Identifiers: ClinVar variation 1938700 (VCV001938700.5), dbSNP rs1225406956, ClinGen allele CA356169662.

ClinVar aggregate classification (germline): Uncertain significance (1 of 4 stars; one submission).

Allele frequency attached by ClinVar (database versions not stated): gnomAD exomes 0.00001.
gnomAD v4.1: 8 of 1,588,956 alleles (0.0005%); highest among the groups gnomAD compares: Middle Eastern, 0.017%; no homozygotes.

Submission:

Labcorp Genetics (formerly Invitae), Labcorp
Classification: Uncertain significance. Last evaluated: 2022-10-07. Review status: criteria provided, single submitter. Criteria: Invitae Variant Classification Sherloc (09022015). Collection method: clinical testing. Allele origin: germline.
Comment: This sequence change replaces arginine, which is basic and polar, with threonine, which is neutral and polar, at codon 37 of the WFS1 protein (p.Arg37Thr). This variant is present in population databases (no rsID available, gnomAD 0.004%). This variant has not been reported in the literature in individuals affected with WFS1-related conditions. Advanced modeling of protein sequence and biophysical properties (such as structural, functional, and spatial information, amino acid conservation, physicochemical variation, residue mobility, and thermodynamic stability) performed at Invitae indicates that this missense variant is not expected to disrupt WFS1 protein function. In summary, the available evidence is currently insufficient to determine the role of this variant in disease. Therefore, it has been classified as a Variant of Uncertain Significance.